The following is an entry in ClinVar:

NM_001040108.2(MLH3):c.3571G>T (p.Val1191Phe)

Gene: MLH3 (mutL homolog 3; minus strand). Cytogenetic location: 14q24.3.
Variant type: single nucleotide variant.
Coding change: c.3571G>T on transcript NM_001040108.2 (MANE Select); coding-DNA position 3571, G replaced by T.
Protein change: p.Val1191Phe; replaces valine 1191 with phenylalanine.
Molecular consequence: missense variant.
Genome position (GRCh38, 1-based): chr14:75,038,412, C>A on the plus strand (G>T on the coding strand, the complement: MLH3 is on the minus strand). VCF-style: chr14-75038412-C-A. GRCh37 (hg19) VCF-style: chr14-75505115-C-A.
Other names: c.3571G>T, p.Val1191Phe (NM_014381.3); short protein forms V1191F.
Identifiers: ClinVar variation 834282 (VCV000834282.10), dbSNP rs1420496802, ClinGen allele CA390427340.

ClinVar aggregate classification (germline): Uncertain significance. Review status: criteria provided, multiple submitters, no conflicts (2 of 4 stars). 2 submissions from 2 submitters: Uncertain significance (2). Last evaluated 2026-04-01.

Conditions:
Colorectal cancer, hereditary nonpolyposis, type 7. Identifiers: Orphanet 144, MedGen C1858380, MONDO:0013725, OMIM 614385.

Allele frequency attached by ClinVar (database versions not stated): gnomAD exomes below 0.00001; TOPMed below 0.00001; gnomAD 0.00001.
gnomAD v4.1: 3 of 1,604,960 alleles (0.00019%); highest among the groups gnomAD compares: Non-Finnish European, 0.00017%; no homozygotes.

Submissions (2):

Ambry Genetics
Classification: Uncertain significance. Last evaluated: 2026-04-01. Review status: criteria provided, single submitter. Criteria: Ambry Variant Classification Scheme 2023. Collection method: clinical testing. Allele origin: germline.
Comment: The p.V1191F variant (also known as c.3571G>T) is located in coding exon 5 of the MLH3 gene. The valine at codon 1191 is replaced by phenylalanine, an amino acid with highly similar properties. This change occurs in the first base pair of coding exon 5. This amino acid position is highly conserved in available vertebrate species. In addition, this alteration is predicted to be deleterious by in silico analysis. Based on the available evidence, the clinical significance of this variant remains unclear.

Labcorp Genetics (formerly Invitae), Labcorp
Classification: Uncertain significance for Colorectal cancer, hereditary nonpolyposis, type 7. Last evaluated: 2020-05-29. Review status: criteria provided, single submitter. Criteria: Invitae Variant Classification Sherloc (09022015). Collection method: clinical testing. Allele origin: germline.
Comment: This variant is not present in population databases (ExAC no frequency). This variant has not been reported in the literature in individuals with MLH3-related conditions. Algorithms developed to predict the effect of missense changes on protein structure and function (SIFT, PolyPhen-2, Align-GVGD) all suggest that this variant is likely to be disruptive, but these predictions have not been confirmed by published functional studies and their clinical significance is uncertain. Algorithms developed to predict the effect of sequence changes on RNA splicing suggest that this variant may disrupt the consensus splice site, but this prediction has not been confirmed by published transcriptional studies. In summary, the available evidence is currently insufficient to determine the role of this variant in disease. Therefore, it has been classified as a Variant of Uncertain Significance. This sequence change replaces valine with phenylalanine at codon 1191 of the MLH3 protein (p.Val1191Phe). The valine residue is highly conserved and there is a small physicochemical difference between valine and phenylalanine.